The following is an entry in ClinVar:

NM_022726.4(ELOVL4):c.780T>G (p.Phe260Leu)

Gene: ELOVL4 (ELOVL fatty acid elongase 4; minus strand). Cytogenetic location: 6q14.1.
Variant type: single nucleotide variant.
Coding change: c.780T>G on transcript NM_022726.4 (MANE Select); coding-DNA position 780, T replaced by G.
Protein change: p.Phe260Leu; replaces phenylalanine 260 with leucine.
Molecular consequence: missense variant.
Genome position (GRCh38, 1-based): chr6:79,916,773, A>C on the plus strand (T>G on the coding strand, the complement: ELOVL4 is on the minus strand). VCF-style: chr6-79916773-A-C. GRCh37 (hg19) VCF-style: chr6-80626490-A-C.
Other names: short protein forms F260L.
Identifiers: ClinVar variation 4884973 (VCV004884973.2).
Genomic context (GRCh38, chr6:79,916,773, plus strand): 5'-TTTTCCAGCTTTTGGTTTCTTAGGCTCTTTGTATGTCCGAATGTAGAAGTTAAGAAAGAG[A>C]AATATGAAGCTGATTGCATAGGCAATTAGAGCCCAGTGCATCCATTTGGGGAAGGGGCAG-3'
Protein context (NP_073563.1, residues 250-270): ALIAYAISFI[Phe260Leu]LFLNFYIRTY

ClinVar aggregate classification (germline): Uncertain significance (1 of 4 stars; one submission).

Submission:

Dasa
Classification: Uncertain significance. Last evaluated: 2026-04-24. Review status: criteria provided, single submitter. Criteria: DASA Assertion Criteria. Collection method: clinical testing. Allele origin: germline.
Comment: NM_022726.4(ELOVL4):c.780T>G (p.Phe260Leu) is a missense variant that results in the substitution of phenylalanine with leucine. This variant is rare in population databases. Computational prediction algorithms are consistent with a benign effect. The currently available literature and clinical evidence are not sufficient to establish a definitive association between this variant and the reported condition. Therefore, this variant is classified as a variant of uncertain significance.